The following is an entry in ClinVar:

NC_000007.13:g.(?_136699613)_(136701013_?)dup

Gene: CHRM2 (cholinergic receptor muscarinic 2; plus strand). Cytogenetic location: 7q33.
Variant type: Duplication.
Identifiers: ClinVar variation 1409924 (VCV001409924.4).

ClinVar aggregate classification (germline): Uncertain significance (1 of 4 stars; one submission).

Conditions:
Dilated Cardiomyopathy, Dominant.

Submission:

Labcorp Genetics (formerly Invitae), Labcorp
Classification: Uncertain significance. Last evaluated: 2021-08-03. Review status: criteria provided, single submitter. Criteria: Invitae Variant Classification Sherloc (09022015). Collection method: clinical testing. Allele origin: germline.
Comment: In summary, the available evidence is currently insufficient to determine the role of this variant in disease. Therefore, it has been classified as a Variant of Uncertain Significance. This variant has not been reported in the literature in individuals affected with CHRM2-related conditions. A copy number gain of the genomic region encompassing the full coding sequence of the CHRM2 gene has been identified. The boundaries of this event are unknown as they extend beyond the assayed region for this gene and therefore may encompass additional genes. As the precise location of this event is unknown, it may be in tandem or it may be located elsewhere in the genome.